The following is an entry in ClinVar:

Conditions:
Long QT syndrome 5 (LQT5). Identifiers: Orphanet 101016, Orphanet 768, MedGen C1867904, MONDO:0013372, OMIM 613695.

Submission:

Roden Lab, Vanderbilt University Medical Center
No classification provided (evidence only). Condition: Long QT syndrome 5. Review status: no classification provided. Collection method: in vitro. Allele origin: not applicable. Functional consequence: Effect on ion channel function.
ClinVar note: "not provided" was previously submitted as the classification for the variant. However, the classification appeared to be based only on an observation of functional data so it was converted to no classification on 2025-07-30.

NM_000219.6(KCNE1):c.370G>T (p.Glu124Ter)

Gene: KCNE1 (potassium voltage-gated channel subfamily E regulatory subunit 1; minus strand). Cytogenetic location: 21q22.12.
Variant type: single nucleotide variant.
Coding change: c.370G>T on transcript NM_000219.6 (MANE Select); coding-DNA position 370, G replaced by T.
Protein change: p.Glu124Ter; replaces glutamic acid 124 with a stop codon.
Molecular consequence: nonsense.
Genome position (GRCh38, 1-based): chr21:34,449,265, C>A on the plus strand (G>T on the coding strand, the complement: KCNE1 is on the minus strand). VCF-style: chr21-34449265-C-A. GRCh37 (hg19) VCF-style: chr21-35821563-C-A.
Other names: c.370G>T, p.Glu124Ter (NM_001127668.4, NM_001127669.4, NM_001127670.4 and 4 more transcripts); short protein forms E124*.
Identifiers: ClinVar variation 3373843 (VCV003373843.2).